The following is an entry in ClinVar:

ClinVar aggregate classification (germline): Uncertain significance. Review status: criteria provided, multiple submitters, no conflicts (2 of 4 stars). 3 submissions from 3 submitters: Uncertain significance (3). Last evaluated 2025-10-04.

Conditions:
Bardet-Biedl syndrome 3 (BBS3). Identifiers: Orphanet 110, MedGen C1859564, MONDO:0010832, OMIM 600151.
Retinitis pigmentosa 55 (RP55). Identifiers: Orphanet 791, MedGen C3150808, MONDO:0013312, OMIM 613575.
Inborn genetic diseases. Identifiers: MedGen C0950123, MeSH D030342.

Allele frequency attached by ClinVar (database versions not stated): gnomAD exomes below 0.00001 and 0.00001; ExAC 0.00001; gnomAD 0.00004 and 0.00005; TOPMed 0.00004; ESP Exome Variant Server 0.00015.
gnomAD v4.1: 27 of 1,613,152 alleles (0.0017%); highest among the groups gnomAD compares: Non-Finnish European, 0.0021%; no homozygotes.

Submissions (3):

Labcorp Genetics (formerly Invitae), Labcorp
Classification: Uncertain significance for Retinitis pigmentosa 55; Bardet-Biedl syndrome 3. Last evaluated: 2025-10-04. Review status: criteria provided, single submitter. Criteria: Invitae Variant Classification Sherloc (09022015). Collection method: clinical testing. Allele origin: germline.
Comment: This sequence change replaces aspartic acid, which is acidic and polar, with glycine, which is neutral and non-polar, at codon 117 of the ARL6 protein (p.Asp117Gly). This variant is present in population databases (rs370120886, gnomAD 0.003%). This variant has not been reported in the literature in individuals affected with ARL6-related conditions. ClinVar contains an entry for this variant (Variation ID: 1508753). An algorithm developed to predict the effect of missense changes on protein structure and function (PolyPhen-2) suggests that this variant is likely to be disruptive. In summary, the available evidence is currently insufficient to determine the role of this variant in disease. Therefore, it has been classified as a Variant of Uncertain Significance.

Ambry Genetics
Classification: Uncertain significance for Inborn genetic diseases. Last evaluated: 2024-01-08. Review status: criteria provided, single submitter. Criteria: Ambry Variant Classification Scheme 2023. Collection method: clinical testing. Allele origin: germline.

Blueprint Genetics
Classification: Uncertain significance. Last evaluated: 2021-06-11. Review status: criteria provided, single submitter. Criteria: ACMG Guidelines, 2015. Collection method: clinical testing. Allele origin: germline.

NM_001278293.3(ARL6):c.350A>G (p.Asp117Gly)

Gene: ARL6 (ARF like GTPase 6; plus strand). Cytogenetic location: 3q11.2.
Variant type: single nucleotide variant.
Coding change: c.350A>G on transcript NM_001278293.3 (MANE Select); coding-DNA position 350, A replaced by G.
Protein change: p.Asp117Gly; replaces aspartic acid 117 with glycine.
Molecular consequence: missense variant. On other transcripts: non-coding transcript variant (7).
Genome position (GRCh38, 1-based): chr3:97,787,990, A>G. VCF-style: chr3-97787990-A-G. GRCh37 (hg19) VCF-style: chr3-97506834-A-G.
Other names: c.350A>G (NM_177976.1); c.350A>G, p.Asp117Gly (NM_001323513.2, NM_001323514.2, NM_032146.5 and 1 more transcripts); short protein forms D117G.
Identifiers: ClinVar variation 1508753 (VCV001508753.8), dbSNP rs370120886, ClinGen allele CA2505946.